The following is an entry in ClinVar:

ClinVar aggregate classification (germline): Uncertain significance. Review status: criteria provided, multiple submitters, no conflicts (2 of 4 stars). 2 submissions from 2 submitters: Uncertain significance (2). Last evaluated 2025-08-07.

Allele frequency attached by ClinVar (database versions not stated): gnomAD 0.00001; ExAC 0.00003; gnomAD exomes 0.00003; TOPMed 0.00003; ESP Exome Variant Server 0.00008.
gnomAD v4.1: 50 of 1,571,844 alleles (0.0032%); highest among the groups gnomAD compares: Non-Finnish European, 0.004%; no homozygotes.

Submissions (2):

Ambry Genetics
Classification: Uncertain significance. Last evaluated: 2025-08-07. Review status: criteria provided, single submitter. Criteria: Ambry Variant Classification Scheme 2023. Collection method: clinical testing. Allele origin: germline.

Mayo Clinic Laboratories, Mayo Clinic
Classification: Uncertain significance. Last evaluated: 2024-05-30. Review status: criteria provided, single submitter. Criteria: ACMG Guidelines, 2015. Collection method: clinical testing. Allele origin: germline. Observed: 1 variant allele.
Comment: BP4

NM_173491.4(LSM11):c.647G>A (p.Arg216Gln)

Gene: LSM11 (LSM11, U7 small nuclear RNA associated; plus strand). Cytogenetic location: 5q33.3.
Variant type: single nucleotide variant.
Coding change: c.647G>A on transcript NM_173491.4 (MANE Select); coding-DNA position 647, G replaced by A.
Protein change: p.Arg216Gln; replaces arginine 216 with glutamine.
Molecular consequence: missense variant.
Genome position (GRCh38, 1-based): chr5:157,754,062, G>A. VCF-style: chr5-157754062-G-A. GRCh37 (hg19) VCF-style: chr5-157181070-G-A.
Other names: p.Arg216Gln; short protein forms R216Q.
Identifiers: ClinVar variation 2318062 (VCV002318062.4), dbSNP rs377580722, ClinGen allele CA3536745.